The following is an entry in ClinVar:

ClinVar aggregate classification (germline): Likely pathogenic (1 of 4 stars; one submission).

Submission:

GeneDx
Classification: Likely pathogenic. Last evaluated: 2017-07-18. Review status: criteria provided, single submitter. Criteria: GeneDx Variant Classification (06012015). Collection method: clinical testing. Allele origin: germline. Affected: yes.
Comment: The L370P variant in the KRT14 gene has not been reported previously as a pathogenic variant, nor as a benign variant, to our knowledge. This variant is not observed in large population cohorts (Lek et al., 2016; 1000 Genomes Consortium et al., 2015; Exome Variant Server). The L370P variant is a semi-conservative amino acid substitution, which occurs at a position within the 2B coil domain (per KIF database), that is conserved across species and is intolerant of change. In addition, in silico analysis predicts this variant is probably damaging to the protein structure/function. According to ACMG criteria, we therefore interpret L370P as a likely pathogenic variant.

NM_000526.5(KRT14):c.1109T>C (p.Leu370Pro)

Gene: KRT14 (keratin 14; minus strand). Cytogenetic location: 17q21.2.
Variant type: single nucleotide variant.
Coding change: c.1109T>C on transcript NM_000526.5 (MANE Select); coding-DNA position 1109, T replaced by C.
Protein change: p.Leu370Pro; replaces leucine 370 with proline.
Molecular consequence: missense variant.
Genome position (GRCh38, 1-based): chr17:41,583,400, A>G on the plus strand (T>C on the coding strand, the complement: KRT14 is on the minus strand). VCF-style: chr17-41583400-A-G. GRCh37 (hg19) VCF-style: chr17-39739652-A-G.
Other names: short protein forms L370P.
Identifiers: ClinVar variation 450450 (VCV000450450.2), dbSNP rs1555571799, ClinGen allele CA399475866.